The following is an entry in ClinVar:

ClinVar aggregate classification (germline): Uncertain significance. Review status: criteria provided, multiple submitters, no conflicts (2 of 4 stars). 2 submissions from 2 submitters: Uncertain significance (2). Last evaluated 2024-08-05.

Conditions:
Inborn genetic diseases. Identifiers: MedGen C0950123, MeSH D030342.

Allele frequency attached by ClinVar (database versions not stated): gnomAD 0.00001 and 0.00002.
gnomAD v4.1: 5 of 1,613,540 alleles (0.00031%); highest among the groups gnomAD compares: Admixed American, 0.005%; no homozygotes.

Submissions (2):

Ambry Genetics
Classification: Uncertain significance for Inborn genetic diseases. Last evaluated: 2024-08-05. Review status: criteria provided, single submitter. Criteria: Ambry Variant Classification Scheme 2023. Collection method: clinical testing. Allele origin: germline.

Labcorp Genetics (formerly Invitae), Labcorp
Classification: Uncertain significance. Last evaluated: 2021-04-05. Review status: criteria provided, single submitter. Criteria: Invitae Variant Classification Sherloc (09022015). Collection method: clinical testing. Allele origin: germline.
Comment: This variant is not present in population databases (ExAC no frequency). This variant has not been reported in the literature in individuals with PDE6A-related conditions. Algorithms developed to predict the effect of missense changes on protein structure and function (SIFT, PolyPhen-2, Align-GVGD) all suggest that this variant is likely to be disruptive, but these predictions have not been confirmed by published functional studies and their clinical significance is uncertain. In summary, the available evidence is currently insufficient to determine the role of this variant in disease. Therefore, it has been classified as a Variant of Uncertain Significance. This sequence change replaces isoleucine with asparagine at codon 666 of the PDE6A protein (p.Ile666Asn). The isoleucine residue is highly conserved and there is a large physicochemical difference between isoleucine and asparagine.

NM_000440.3(PDE6A):c.1997T>A (p.Ile666Asn)

Gene: PDE6A (phosphodiesterase 6A; minus strand). Cytogenetic location: 5q32.
Variant type: single nucleotide variant.
Coding change: c.1997T>A on transcript NM_000440.3 (MANE Select); coding-DNA position 1997, T replaced by A.
Protein change: p.Ile666Asn; replaces isoleucine 666 with asparagine.
Molecular consequence: missense variant.
Genome position (GRCh38, 1-based): chr5:149,884,509, A>T on the plus strand (T>A on the coding strand, the complement: PDE6A is on the minus strand). VCF-style: chr5-149884509-A-T. GRCh37 (hg19) VCF-style: chr5-149264072-A-T.
Other names: c.1997T>A (NM_000440.2); short protein forms I666N.
Identifiers: ClinVar variation 1357390 (VCV001357390.8), dbSNP rs1472501176, ClinGen allele CA361693262.